The following is an entry in ClinVar:

ClinVar aggregate classification (germline): Uncertain significance (1 of 4 stars; one submission).

Conditions:
RYR1-related disorder. Also called: RYR1-related condition; RYR1-related disorders. Identifiers: MedGen CN239331.

gnomAD v4.1: 1 of 1,614,146 alleles (0.000062%); highest among the groups gnomAD compares: Non-Finnish European, 0.000085%; no homozygotes.

Submission:

Labcorp Genetics (formerly Invitae), Labcorp
Classification: Uncertain significance for RYR1-related disorder. Last evaluated: 2025-07-20. Review status: criteria provided, single submitter. Criteria: Invitae Variant Classification Sherloc (09022015). Collection method: clinical testing. Allele origin: germline.
Comment: This sequence change replaces threonine, which is neutral and polar, with alanine, which is neutral and non-polar, at codon 4518 of the RYR1 protein (p.Thr4518Ala). This variant is not present in population databases (gnomAD no frequency). This variant has not been reported in the literature in individuals affected with RYR1-related conditions. Invitae Evidence Modeling of protein sequence and biophysical properties (such as structural, functional, and spatial information, amino acid conservation, physicochemical variation, residue mobility, and thermodynamic stability) indicates that this missense variant is not expected to disrupt RYR1 protein function with a negative predictive value of 80%. In summary, the available evidence is currently insufficient to determine the role of this variant in disease. Therefore, it has been classified as a Variant of Uncertain Significance.

NM_000540.3(RYR1):c.13552A>G (p.Thr4518Ala)

Gene: RYR1 (ryanodine receptor 1; plus strand). Cytogenetic location: 19q13.2.
Variant type: single nucleotide variant.
Coding change: c.13552A>G on transcript NM_000540.3 (MANE Select); coding-DNA position 13552, A replaced by G.
Protein change: p.Thr4518Ala; replaces threonine 4518 with alanine.
Molecular consequence: missense variant.
Genome position (GRCh38, 1-based): chr19:38,567,810, A>G. VCF-style: chr19-38567810-A-G. GRCh37 (hg19) VCF-style: chr19-39058450-A-G.
Other names: c.13537A>G, p.Thr4513Ala (NM_001042723.2); short protein forms T4513A, T4518A.
Identifiers: ClinVar variation 4761614 (VCV004761614.1).